The following is an entry in ClinVar:

NM_002890.3(RASA1):c.2873C>T (p.Pro958Leu)

Genes: CCNH (cyclin H; minus strand), RASA1 (RAS p21 protein activator 1; plus strand). Cytogenetic location: 5q14.3.
Variant type: single nucleotide variant.
Coding change: c.2873C>T on transcript NM_002890.3 (MANE Select); coding-DNA position 2873, C replaced by T.
Protein change: p.Pro958Leu; replaces proline 958 with leucine.
Molecular consequence: missense variant. On other transcripts: intron variant (1).
Genome position (GRCh38, 1-based): chr5:87,386,851, C>T. VCF-style: chr5-87386851-C-T. GRCh37 (hg19) VCF-style: chr5-86682668-C-T.
Other names: c.2342C>T, p.Pro781Leu (NM_022650.3); c.933+8193G>A (NM_001364075.2); short protein forms P781L, P958L.
Identifiers: ClinVar variation 2008678 (VCV002008678.4), dbSNP rs2531385663, ClinGen allele CA360386949.

ClinVar aggregate classification (germline): Uncertain significance (1 of 4 stars; one submission).

Conditions:
Capillary malformation-arteriovenous malformation syndrome. Also called: Capillary malformation-arteriovenous malformation. Identifiers: Orphanet 137667, MedGen C1842180, MONDO:0012016.

Submission:

Labcorp Genetics (formerly Invitae), Labcorp
Classification: Uncertain significance for Capillary malformation-arteriovenous malformation syndrome. Last evaluated: 2024-10-13. Review status: criteria provided, single submitter. Criteria: Invitae Variant Classification Sherloc (09022015). Collection method: clinical testing. Allele origin: germline.
Comment: This sequence change replaces proline, which is neutral and non-polar, with leucine, which is neutral and non-polar, at codon 958 of the RASA1 protein (p.Pro958Leu). This variant is not present in population databases (gnomAD no frequency). This variant has not been reported in the literature in individuals affected with RASA1-related conditions. ClinVar contains an entry for this variant (Variation ID: 2008678). An algorithm developed to predict the effect of missense changes on protein structure and function (PolyPhen-2) suggests that this variant is likely to be disruptive. In summary, the available evidence is currently insufficient to determine the role of this variant in disease. Therefore, it has been classified as a Variant of Uncertain Significance.